The following is an entry in ClinVar:

NM_001384140.1(PCDH15):c.560_563del (p.Ile187fs)

Gene: PCDH15 (protocadherin related 15; minus strand). Cytogenetic location: 10q21.1.
Variant type: Deletion.
Coding change: c.560_563del on transcript NM_001384140.1 (MANE Select); coding-DNA positions 560 to 563, 4 bases deleted (TAGA; older notation c.560_563delTAGA).
Protein change: p.Ile187fs; shifts the reading frame from isoleucine 187.
Molecular consequence: frameshift variant.
Genome position (GRCh38, 1-based): chr10:54,346,396-54,346,399, TCTA deleted on the plus strand (TAGA on the coding strand, the reverse complement: PCDH15 is on the minus strand); deleting any 4 consecutive bases within chr10:54,346,396-54,346,402 gives the same sequence; the c. name uses the placement nearest the transcript's 3' end. VCF-style (leftmost placement, unchanged base first): chr10-54346395-CTCTA-C. GRCh37 (hg19) VCF-style: chr10-56106155-CTCTA-C.
Other names: c.575_578del, p.Ile192fs (NM_001142763.2, NM_001142771.2); c.560_563del, p.Ile187fs (NM_001142764.2, NM_001142765.2, NM_001142766.2 and 8 more transcripts); c.494_497del, p.Ile165fs (NM_001142768.2, NM_001142773.2, NM_001354404.2); c.572_575delAGAT, p.Ile192Serfs (NM_001142769.4); short protein forms I165fs, I187fs, I192fs.
Identifiers: ClinVar variation 3639706 (VCV003639706.2).
Genomic context (GRCh38, chr10:54,346,395, plus strand): 5'-AAATTACATTGCAAATAGGTATTTACATACCGGATCATCTGGATTATACTGAATAACATA[CTCTA>C]TCTGTCCATTTGGTCCATCATCTATATCTGTAGCTCCATTGTCTCCTGAAAATCCTGTGA-3'

ClinVar aggregate classification (germline): Pathogenic (1 of 4 stars; one submission).

Submission:

Labcorp Genetics (formerly Invitae), Labcorp
Classification: Pathogenic. Last evaluated: 2024-02-08. Review status: criteria provided, single submitter. Criteria: Invitae Variant Classification Sherloc (09022015). Collection method: clinical testing. Allele origin: germline.
Comment: This sequence change creates a premature translational stop signal (p.Ile187Serfs*21) in the PCDH15 gene. It is expected to result in an absent or disrupted protein product. Loss-of-function variants in PCDH15 are known to be pathogenic (PMID: 11398101, 11487575, 14570705). This variant is not present in population databases (gnomAD no frequency). This variant has not been reported in the literature in individuals affected with PCDH15-related conditions. For these reasons, this variant has been classified as Pathogenic.

Literature cited by the submitters: PubMed 11398101; PubMed 11487575; PubMed 14570705.